The following is an entry in ClinVar:

NM_020937.4(FANCM):c.5651T>A (p.Ile1884Asn)

Gene: FANCM (FA complementation group M; plus strand). Cytogenetic location: 14q21.2.
Variant type: single nucleotide variant.
Coding change: c.5651T>A on transcript NM_020937.4 (MANE Select); coding-DNA position 5651, T replaced by A.
Protein change: p.Ile1884Asn; replaces isoleucine 1884 with asparagine.
Molecular consequence: missense variant.
Genome position (GRCh38, 1-based): chr14:45,196,482, T>A. VCF-style: chr14-45196482-T-A. GRCh37 (hg19) VCF-style: chr14-45665685-T-A.
Other names: c.5573T>A, p.Ile1858Asn (NM_001308133.2); short protein forms I1858N, I1884N.
Identifiers: ClinVar variation 3362098 (VCV003362098.1).
Genomic context (GRCh38, chr14:45,196,482, plus strand): 5'-AAAGGAGGTCTCAATCTGAGATGTTAAATAGTGTCAATAAGAACAAGTTCATTGAGCAGA[T>A]CCAGCACCTGCAGAGTATGTTTGAAAGAATATGTGTGATTGTGGAAAAGGACAGAGAAAA-3'
Protein context (NP_065988.1, residues 1874-1894): SVNKNKFIEQ[Ile1884Asn]QHLQSMFERI

ClinVar aggregate classification (germline): Uncertain significance (1 of 4 stars; one submission).

Submission:

GeneDx
Classification: Uncertain significance. Last evaluated: 2023-05-25. Review status: criteria provided, single submitter. Criteria: GeneDx Variant Classification Process June 2021. Collection method: clinical testing. Allele origin: germline. Affected: yes.
Comment: Not observed at significant frequency in large population cohorts (gnomAD); In silico analysis supports that this missense variant has a deleterious effect on protein structure/function; Has not been previously published as pathogenic or benign to our knowledge